The following is an entry in ClinVar:

ClinVar aggregate classification (germline): Likely pathogenic. Review status: reviewed by expert panel (3 of 4 stars). 34 submissions from 34 submitters: Likely pathogenic (1). 33 of the submissions do not count toward it. Last evaluated 2020-08-19.

Conditions:
Monogenic hearing loss.
SLC26A4-related disorder. Also called: SLC26A4-related disorders; SLC26A4-related condition.
Rare genetic deafness. Identifiers: Orphanet 96210, MedGen C5680250.
Pendred syndrome (PDS). Also called: GOITER-DEAFNESS SYNDROME; THYROID DYSHORMONOGENESIS 2B; THYROID HORMONOGENESIS, GENETIC DEFECT IN, 2B; DEAFNESS WITH GOITER; HYPOTHYROIDISM, CONGENITAL, DUE TO DYSHORMONOGENESIS, 2B; Pendred's syndrome. Identifiers: Orphanet 705, MedGen C0271829, MONDO:0010134, OMIM 274600.
Autosomal recessive nonsyndromic hearing loss 4 (DFNB4). Also called: FOXI1-Related Pendred Syndrome; KCNJ10-Related Pendred Syndrome; Deafness, autosomal recessive 4; DEAFNESS, AUTOSOMAL RECESSIVE 4, WITH ENLARGED VESTIBULAR AQUEDUCT, DIGENIC; Enlarged vestibular aqueduct, digenic; NEUROSENSORY NONSYNDROMIC RECESSIVE DEAFNESS 4. Identifiers: Orphanet 90636, MedGen C3538946, MONDO:0010933, OMIM 600791.

Allele frequency attached by ClinVar (database versions not stated): TOPMed 0.00091; gnomAD 0.00065 and 0.00077; 1000 Genomes Project 0.00080; 1000 Genomes Project 30x 0.00109.
gnomAD v4.1: 2,107 of 1,613,742 alleles (0.13%); highest among the groups gnomAD compares: South Asian, 0.25%; 6 homozygotes.

Submissions 1 to 7 of 34:

ClinGen Hearing Loss Variant Curation Expert Panel
Classification: Likely pathogenic for Pendred syndrome. Last evaluated: 2020-08-19. Review status: reviewed by expert panel. Criteria: Clingen Hl Acmg Specifications Cdh23 Coch Gjb2 Kcnq4 Myo6 Myo7a Slc26a4 Tecta Ush2a V2. Collection method: curation. Allele origin: germline. Inheritance: Autosomal recessive inheritance.
Comment: The c.1003T>C (p.Phe335Leu) variant has been identified in over 20 probands with Hearing loss, 6 of whom had a second pathogenic or suspected pathogenic variant in trans (PM3_VeryStrong; PMIDs: 19509082, 29293505, 25394566, 20668687, 20597900, 19426954, 19204907, 18285825, 17503324, 17357124, 17309986, 15689455, 14679580, 11317356, Laboratory for Molecular Medicine internal data). The variant has been reported to segregate with disease in one affected family member (PP1; PMID: 18285825). Multiple probands presented with hearing loss and enlarged vestibular aqueducts (EVA) which are highly specific to Pendred syndrome (PP4; PMIDs: 14679580, 18285825, 19509082, 25394566, Laboratory for Molecular Medicine internal data). Evidence has been published indicating that the p.Phe335Leu variant may be pathogenic when in trans with a functionally-null or severely hypomorphic variant but not as a mono-allelic variant or in the homozygous state (PMIDs: 19204907, 24051746). The c.1003T>C (p.Phe335Leu) variant was present in 0.203% (76/30612 CI 95%) of South Asian alleles in gnomAD v2.1.1, which is a high enough frequency apply BS1_Supporting. Additionally it was present in 2.1% (27/910 CI 95%) of Amish alleles in gnomAD v3.1 (BA1). The ClinGen Hearing Loss Expert Panel believes that the evidence for the pathogenicity of this variant for Pendred syndrome outweighs the high allele frequency of the variant in population databases. Therefore, neither BS1_Supporting nor BA1 will contribute to the overall classification. A functional study demonstrates that the p.Phe335Leu variant may impact protein function (PS3_Supporting; PMID: 19204907). Finally, the REVEL computational prediction analysis tool produced a score of 0.828, which is above the threshold necessary to apply PP3. In summary, this variant has been classified as likely pathogenic for autosomal recessive Pendred syndrome based on the ACMG/AMP criteria applied, as specified by the Hearing Loss Expert Panel: PM3_VeryStrong, PS3_Supporting, PP1, PP3, PP4.

PreventionGenetics, part of Exact Sciences
Classification: Likely pathogenic for SLC26A4-related condition. Last evaluated: 2026-09-07. Review status: criteria provided, single submitter. Criteria: ACMG Guidelines, 2015. Collection method: clinical testing. Allele origin: germline. Not counted in ClinVar's aggregate classification.
Comment: The SLC26A4 c.1003T>C variant is predicted to result in the amino acid substitution p.Phe335Leu. This variant has been reported to be causative for autosomal recessive Pendred syndrome and nonsyndromic hearing loss with enlarged vestibular aqueduct (Campbell et al. 2001. PubMed ID: 11317356; Pryor et al. 2005. PubMed ID: 15689455; Table S1, Sullivan et al. 2023. PubMed ID: 37853563). Functional studies found this variant resulted in normal plasma membrane localization with reduced but still partial anion exchange activity (Choi et al. 2009. PubMed ID: 19204907). This variant is reported in 0.25% of alleles in individuals of South Asian descent in gnomAD, including one homozygote. A different substitution at this same amino acid position (Val) has also been reported as pathogenic for autosomal recessive hearing loss (Nonose et al. 2018. PubMed ID: 29739340). The ClinGen Hearing Loss Variant Curation Expert Panel interprets this variant as likely pathogenic when in trans with a second functionally null allele or severe hypomorph, but notes it may not be disease causing in the mono-allelic or homozygous state (Variation ID: 4842). This variant is interpreted as likely pathogenic.

CeGaT Center for Human Genetics Tuebingen
Classification: Likely pathogenic. Last evaluated: 2026-09-01. Review status: criteria provided, single submitter. Criteria: CeGaT Center For Human Genetics Tuebingen Variant Classification Criteria Version 2. Collection method: clinical testing. Allele origin: germline. Affected: yes. Observed: 5 variant alleles. Not counted in ClinVar's aggregate classification.
Comment: SLC26A4: PM3:Strong, PM2:Supporting, PS3:Supporting

Genetics Laboratory, Great Ormond Street Hospital NHS Foundation Trust, North Thames Genomic Laboratory Hub
Classification: Likely pathogenic for Monogenic hearing loss. Last evaluated: 2026-03-06. Review status: criteria provided, single submitter. Criteria: ACGS Best Practice Guidelines for Variant Classification in Rare Disease 2024 v1.2. Collection method: clinical testing. Allele origin: germline. Affected: yes. Not counted in ClinVar's aggregate classification.
Comment: PP3_supporting, PS3_supporting, PM3_very-strong, PP4_supporting

Otogenetics
Classification: Likely pathogenic for Autosomal recessive nonsyndromic hearing loss 4; Pendred syndrome. Last evaluated: 2026-02-07. Review status: criteria provided, single submitter. Criteria: ACMG Guidelines, 2015. Collection method: clinical testing. Allele origin: germline. Not counted in ClinVar's aggregate classification.
Comment: PS3_Supporting: Well-established in vitro and in vivo functional studies supportive of damaging effect on the gene product, with low residual enzymatic activity relative to wild-type reported (PMID: 19204907); PM2_Supporting: Maximum gnomAD MAF of 0.248% in South Asian (SAS) subpopulation (<0.248% threshold); PM3_Strong: Variant reported in trans with three pathogenic variants in four individuals affected with Pendred syndrome (PMID: 18285825, 24051746, 29293505); PM5: Pathogenic missense amino acid changes occur in same position: c.1003T>G p.Phe335Val (PMID: 29739340); PP3: In-silico models predict deleterious effect (Revel = 0.86, BayesDel = 0.3)

Labcorp Genetics (formerly Invitae), Labcorp
Classification: Pathogenic. Last evaluated: 2026-01-21. Review status: criteria provided, single submitter. Criteria: Invitae Variant Classification Sherloc (09022015). Collection method: clinical testing. Allele origin: germline. Not counted in ClinVar's aggregate classification.
Comment: This sequence change replaces phenylalanine, which is neutral and non-polar, with leucine, which is neutral and non-polar, at codon 335 of the SLC26A4 protein (p.Phe335Leu). This variant is present in population databases (rs111033212, gnomAD 0.3%), including at least one homozygous and/or hemizygous individual. This missense change has been observed in individual(s) with deafness (PMID: 19509082, 20128824, 24051746, 25394566, 26485571). In at least one individual the data is consistent with being in trans (on the opposite chromosome) from a pathogenic variant. It has also been observed to segregate with disease in related individuals. This variant has been shown to cause SLC26A4-related conditions when it occurs in trans with a functionally null variant; however the effect of this variant on homozygous individuals has not been well documented in the literature. (PMID: 19578036, 19204907). ClinVar contains an entry for this variant (Variation ID: 4842). Invitae Evidence Modeling of protein sequence and biophysical properties (such as structural, functional, and spatial information, amino acid conservation, physicochemical variation, residue mobility, and thermodynamic stability) has been performed for this missense variant. However, the output from this modeling did not meet the statistical confidence thresholds required to predict the impact of this variant on SLC26A4 protein function. Experimental studies have shown that this missense change affects SLC26A4 function (PMID: 19204907). For these reasons, this variant has been classified as Pathogenic.

GeneDx
Classification: Likely pathogenic. Last evaluated: 2026-01-07. Review status: criteria provided, single submitter. Criteria: GeneDx Variant Classification Process June 2021. Collection method: clinical testing. Allele origin: germline. Affected: yes. Not counted in ClinVar's aggregate classification.
Comment: Published functional studies have shown normal plasma membrane localization but lower exchange rate constant for p.(F335L) compared to wild-type constructs (PMID: 19204907); the significance of this residual activity for overall protein function is currently unclear; In silico analysis supports that this missense variant has a deleterious effect on protein structure/function; Classified as likely pathogenic by the ClinGen Hearing Loss Variant Curation Expert Panel (SCV001438398.2; PMID: 30311386); This variant is associated with the following publications: (PMID: 20668687, 21704276, 36499699, 19426954, 27771369, 23965030, 14679580, 26485571, 17503324, 19998422, 23336812, 11317356, 29372807, 32165640, 31589614, 28444304, 24222258, 29293505, 16950989, 17357124, 30275481, 17309986, 16570074, 28984810, 18285825, 29739340, 30609409, 20597900, 19509082, 25394566, 15689455, 31980526, 34426522, 33138774, 34416374, Liu[article]2022, 36833263, 36362242, 34545167, 19204907, 34405919, 37853563, 30311386, 39161163, 38426810, 39846246, 38167091, 19578036, 24051746, 41133710)

NM_000441.2(SLC26A4):c.1003T>C (p.Phe335Leu)

Gene: SLC26A4 (solute carrier family 26 member 4; plus strand). Cytogenetic location: 7q22.3.
Variant type: single nucleotide variant.
Coding change: c.1003T>C on transcript NM_000441.2 (MANE Select); coding-DNA position 1003, T replaced by C.
Protein change: p.Phe335Leu; replaces phenylalanine 335 with leucine.
Molecular consequence: missense variant.
Genome position (GRCh38, 1-based): chr7:107,689,054, T>C. VCF-style: chr7-107689054-T-C. GRCh37 (hg19) VCF-style: chr7-107329499-T-C.
Other names: short protein forms F335L.
Identifiers: ClinVar variation 4842 (VCV000004842.120), dbSNP rs111033212, ClinGen allele CA253316.